The following is an entry in ClinVar:

ClinVar aggregate classification (germline): Uncertain significance (1 of 4 stars; one submission).

Conditions:
Myasthenic syndrome, congenital, 22 (CMS22). Also called: PREPL DEFICIENCY. Identifiers: MedGen C4479088, MONDO:0044299, OMIM 616224.

Allele frequency attached by ClinVar (database versions not stated): gnomAD exomes 0.00001; TOPMed 0.00002; ExAC 0.00001; gnomAD 0.00001.
gnomAD v4.1: 4 of 1,612,692 alleles (0.00025%); highest among the groups gnomAD compares: African/African-American, 0.004%; no homozygotes.

Submission:

Labcorp Genetics (formerly Invitae), Labcorp
Classification: Uncertain significance for Myasthenic syndrome, congenital, 22. Last evaluated: 2024-08-31. Review status: criteria provided, single submitter. Criteria: Invitae Variant Classification Sherloc (09022015). Collection method: clinical testing. Allele origin: germline.
Comment: This sequence change replaces histidine, which is basic and polar, with arginine, which is basic and polar, at codon 27 of the PREPL protein (p.His27Arg). This variant is present in population databases (rs753994518, gnomAD 0.007%). This variant has not been reported in the literature in individuals affected with PREPL-related conditions. ClinVar contains an entry for this variant (Variation ID: 861814). An algorithm developed to predict the effect of missense changes on protein structure and function outputs the following: PolyPhen-2: "Benign". The arginine amino acid residue is found in multiple mammalian species, which suggests that this missense change does not adversely affect protein function. In summary, the available evidence is currently insufficient to determine the role of this variant in disease. Therefore, it has been classified as a Variant of Uncertain Significance.

NM_001171613.2(PREPL):c.-49+1744A>G

Gene: PREPL (prolyl endopeptidase like; minus strand). Cytogenetic location: 2p21.
Variant type: single nucleotide variant.
Coding change: c.-49+1744A>G on transcript NM_001171613.2 (MANE Select); 1744 bases into the intron after 49 bases upstream of the start codon, A replaced by G.
Molecular consequence: intron variant. On other transcripts: missense variant (7).
Genome position (GRCh38, 1-based): chr2:44,359,636, T>C on the plus strand (A>G on the coding strand, the complement: PREPL is on the minus strand). VCF-style: chr2-44359636-T-C. GRCh37 (hg19) VCF-style: chr2-44586775-T-C.
Other names: c.80A>G, p.His27Arg (NM_006036.4, NM_001042385.2, NM_001042386.2 and 4 more transcripts); c.-49+1888A>G (NM_001171617.1); c.-49+1781A>G (NM_001374277.1); short protein forms H27R.
Identifiers: ClinVar variation 861814 (VCV000861814.8), dbSNP rs753994518, ClinGen allele CA1641755.
Genomic context (GRCh38, chr2:44,359,636, plus strand): 5'-TGATATTTTTTCAATTTTATTCTATTGTAACAATGATCAGCGAAGTTATAGTGATTCAAA[T>C]GCTGTTTCTGCATGCATTTTCCAAGGTGAGGAATACTATACTTCAAAGCTTGGAGAAATA-3'